The following is an entry in ClinVar:

ClinVar aggregate classification (germline): Likely benign. Review status: criteria provided, multiple submitters, no conflicts (2 of 4 stars). 5 submissions from 5 submitters: Likely benign (5). Last evaluated 2026-01-28.

Conditions:
Hypertrophic cardiomyopathy. Also called: HYPERTROPHIC MYOCARDIOPATHY. Identifiers: Orphanet 217569, MedGen C0007194, MeSH D002312, MONDO:0005045, HP:0001639.
Cardiomyopathy (CMYO). Also called: Cardiomyopathies. Identifiers: Orphanet 167848, MedGen C0878544, MONDO:0004994, HP:0001638. Inheritance: Various modes of inheritance.
Cardiovascular phenotype. Identifiers: MedGen CN230736.

Allele frequency attached by ClinVar (database versions not stated): gnomAD exomes below 0.00001 and 0.00001; ExAC 0.00001; gnomAD 0.00003 and 0.00004; TOPMed 0.00004; ESP Exome Variant Server 0.00008.
gnomAD v4.1: 11 of 1,613,796 alleles (0.00068%); highest among the groups gnomAD compares: African/African-American, 0.013%; no homozygotes.

Submissions (5):

Labcorp Genetics (formerly Invitae), Labcorp
Classification: Likely benign for Hypertrophic cardiomyopathy. Last evaluated: 2026-01-28. Review status: criteria provided, single submitter. Criteria: Invitae Variant Classification Sherloc (09022015). Collection method: clinical testing. Allele origin: germline.

Women's Health and Genetics/Laboratory Corporation of America, LabCorp
Classification: Likely benign. Last evaluated: 2024-02-11. Review status: criteria provided, single submitter. Criteria: LabCorp Variant Classification Summary - May 2015. Collection method: clinical testing. Allele origin: germline.

All of Us Research Program, National Institutes of Health
Classification: Likely benign for Hypertrophic cardiomyopathy. Last evaluated: 2024-01-11. Review status: criteria provided, single submitter. Criteria: ACMG Guidelines, 2015. Collection method: clinical testing. Allele origin: germline. Inheritance: Autosomal dominant inheritance. Observed: 3 variant alleles, 3 heterozygotes.
Comment: This study involves interpretation of variants in research participants for the purpose of population health screening. Participant phenotype was not available at the time of variant classification. Additional details can be found in publication PMID: 35346344, PMCID: PMC8962531

Ambry Genetics
Classification: Likely benign for Cardiovascular phenotype. Last evaluated: 2023-03-18. Review status: criteria provided, single submitter. Criteria: Ambry Variant Classification Scheme 2023. Collection method: clinical testing. Allele origin: germline.

Color Diagnostics, LLC DBA Color Health
Classification: Likely benign for Cardiomyopathy. Last evaluated: 2020-12-08. Review status: criteria provided, single submitter. Criteria: ACMG Guidelines, 2015. Collection method: clinical testing. Allele origin: germline.

NM_000256.3(MYBPC3):c.1056C>G (p.Leu352=)

Gene: MYBPC3 (myosin binding protein C3; minus strand). Cytogenetic location: 11p11.2.
Variant type: single nucleotide variant.
Coding change: c.1056C>G on transcript NM_000256.3 (MANE Select); coding-DNA position 1056, C replaced by G.
Protein change: p.Leu352=; no amino-acid change (leucine 352 retained).
Molecular consequence: synonymous variant.
Genome position (GRCh38, 1-based): chr11:47,346,241, G>C on the plus strand (C>G on the coding strand, the complement: MYBPC3 is on the minus strand). VCF-style: chr11-47346241-G-C. GRCh37 (hg19) VCF-style: chr11-47367792-G-C.
Other names: c.1056C>G, p.Leu352= (LRG_386t1).
Identifiers: ClinVar variation 304959 (VCV000304959.20), dbSNP rs375007425, ClinGen allele CA042179.